The following is an entry in ClinVar:

NM_014339.7(IL17RA):c.2456A>G (p.Gln819Arg)

Gene: IL17RA (interleukin 17 receptor A; plus strand). Cytogenetic location: 22q11.1.
Variant type: single nucleotide variant.
Coding change: c.2456A>G on transcript NM_014339.7 (MANE Select); coding-DNA position 2456, A replaced by G.
Protein change: p.Gln819Arg; replaces glutamine 819 with arginine.
Molecular consequence: missense variant.
Genome position (GRCh38, 1-based): chr22:17,109,675, A>G. VCF-style: chr22-17109675-A-G. GRCh37 (hg19) VCF-style: chr22-17590565-A-G.
Other names: c.2456A>G (NM_014339.5); c.2354A>G, p.Gln785Arg (NM_001289905.2); short protein forms Q785R, Q819R.
Identifiers: ClinVar variation 1060367 (VCV001060367.10), dbSNP rs2061432294, ClinGen allele CA410222247.

ClinVar aggregate classification (germline): Uncertain significance. Review status: criteria provided, multiple submitters, no conflicts (2 of 4 stars). 2 submissions from 2 submitters: Uncertain significance (2). Last evaluated 2025-06-25.

Conditions:
Immunodeficiency 51 (IMD51). Also called: CANDIDIASIS, FAMILIAL, 5. Identifiers: Orphanet 1334, MedGen C4310803, MONDO:0013500, OMIM 613953.

Allele frequency attached by ClinVar (database versions not stated): gnomAD 0.00001; gnomAD exomes 0.00001.
gnomAD v4.1: 5 of 1,599,374 alleles (0.00031%); highest among the groups gnomAD compares: Admixed American, 0.0087%; no homozygotes.

Submissions (2):

Ambry Genetics
Classification: Uncertain significance. Last evaluated: 2025-06-25. Review status: criteria provided, single submitter. Criteria: Ambry Variant Classification Scheme 2023. Collection method: clinical testing. Allele origin: germline.

Labcorp Genetics (formerly Invitae), Labcorp
Classification: Uncertain significance for Immunodeficiency 51. Last evaluated: 2024-04-07. Review status: criteria provided, single submitter. Criteria: Invitae Variant Classification Sherloc (09022015). Collection method: clinical testing. Allele origin: germline.
Comment: This sequence change replaces glutamine, which is neutral and polar, with arginine, which is basic and polar, at codon 819 of the IL17RA protein (p.Gln819Arg). This variant is not present in population databases (gnomAD no frequency). This variant has not been reported in the literature in individuals affected with IL17RA-related conditions. ClinVar contains an entry for this variant (Variation ID: 1060367). An algorithm developed to predict the effect of missense changes on protein structure and function (PolyPhen-2) suggests that this variant is likely to be tolerated. In summary, the available evidence is currently insufficient to determine the role of this variant in disease. Therefore, it has been classified as a Variant of Uncertain Significance.